The following is an entry in ClinVar:

ClinVar aggregate classification (germline): Uncertain significance (1 of 4 stars; one submission).

Conditions:
Intellectual developmental disorder, autosomal dominant 1. Also called: Intellectual disability, autosomal dominant 1; MBD5 Haploinsufficiency. Identifiers: Orphanet 228402, MedGen C1969562, MONDO:0007974, OMIM 156200.

Allele frequency attached by ClinVar (database versions not stated): gnomAD exomes below 0.00001.
gnomAD v4.1: 2 of 1,614,108 alleles (0.00012%); highest among the groups gnomAD compares: Non-Finnish European, 0.00017%; no homozygotes.

Submission:

Labcorp Genetics (formerly Invitae), Labcorp
Classification: Uncertain significance for Intellectual developmental disorder, autosomal dominant 1. Last evaluated: 2023-05-27. Review status: criteria provided, single submitter. Criteria: Invitae Variant Classification Sherloc (09022015). Collection method: clinical testing. Allele origin: germline.
Comment: In summary, the available evidence is currently insufficient to determine the role of this variant in disease. Therefore, it has been classified as a Variant of Uncertain Significance. Experimental studies and prediction algorithms are not available or were not evaluated, and the functional significance of this variant is currently unknown. ClinVar contains an entry for this variant (Variation ID: 851960). This variant has not been reported in the literature in individuals affected with MBD5-related conditions. This variant is not present in population databases (gnomAD no frequency). This sequence change replaces aspartic acid, which is acidic and polar, with glycine, which is neutral and non-polar, at codon 1198 of the MBD5 protein (p.Asp1198Gly).

NM_001378120.1(MBD5):c.4292A>G (p.Asp1431Gly)

Gene: MBD5 (methyl-CpG binding domain protein 5; plus strand). Cytogenetic location: 2q23.1.
Variant type: single nucleotide variant.
Coding change: c.4292A>G on transcript NM_001378120.1 (MANE Select); coding-DNA position 4292, A replaced by G.
Protein change: p.Asp1431Gly; replaces aspartic acid 1431 with glycine.
Molecular consequence: missense variant.
Genome position (GRCh38, 1-based): chr2:148,489,924, A>G. VCF-style: chr2-148489924-A-G. GRCh37 (hg19) VCF-style: chr2-149247493-A-G.
Other names: c.3593A>G, p.Asp1198Gly (NM_018328.5); short protein forms D1198G, D1431G.
Identifiers: ClinVar variation 851960 (VCV000851960.10), dbSNP rs1681467352, ClinGen allele CA348728569.